The following is an entry in ClinVar:

NM_001267550.2(TTN):c.6508+1G>A

Gene: TTN (titin; minus strand). Cytogenetic location: 2q31.2.
Variant type: single nucleotide variant.
Coding change: c.6508+1G>A on transcript NM_001267550.2 (MANE Select); the canonical splice donor site of the intron after coding-DNA position 6508, G replaced by A.
Molecular consequence: splice donor variant.
Genome position (GRCh38, 1-based): chr2:178,775,355, C>T on the plus strand (G>A on the coding strand, the complement: TTN is on the minus strand). VCF-style: chr2-178775355-C-T. GRCh37 (hg19) VCF-style: chr2-179640082-C-T.
Other names: c.6370+1G>A (NM_003319.4, NM_133437.4, NM_133432.3); c.6508+1G>A (NM_133378.4, NM_001256850.1, NM_133379.5).
Identifiers: ClinVar variation 3344569 (VCV003344569.1).
Genomic context (GRCh38, chr2:178,775,355, plus strand): 5'-ACACTCATGGATATTCTTGAATACAAAGACAGGTCCATCAAAGGAAAGACATGCAAATTA[C>T]CTTGGACAAGTAAGAATGCGTGACTGGAGGTTTCTCCAGCTATGTTGATGGCTTTTACCA-3'

ClinVar aggregate classification (germline): Likely pathogenic (0 of 4 stars; one submission).

Conditions:
TTN-related disorder. Also called: TTN-related disorders; TTN-related condition; TTN-related disease.

Submission:

PreventionGenetics, part of Exact Sciences
Classification: Likely pathogenic for TTN-related condition. Last evaluated: 2024-05-08. Review status: no assertion criteria provided. Collection method: clinical testing. Allele origin: germline.
Comment: The TTN c.6508+1G>A variant is predicted to disrupt the GT donor site and interfere with normal splicing. To our knowledge, this variant has not been reported in the literature or in a large population databases. This variant is located in the TTN protein I-band region and many other protein truncating variants in this region have been previously reported in individuals with dilated cardiomyopathy and early onset atrial fibrillation (Human Gene Mutation Database; Roberts et al. 2015. PubMed ID: 25589632). RNAseq studies from heart tissue indicate this exon is commonly included in TTN mRNA transcripts (PSI of 100%, Roberts et al. 2015. PMID: 25589632). TTN truncating variants in the heterozygous state have been reported in presumably healthy individuals, but occur more frequently in exons with low PSI values (Roberts et al. 2015. PMID: 25589632; Herman et al. 2012. PMID: 22335739). However, many cases of recessive TTN-related myopathies in which the individual is compound heterozygous for two loss of function variants (regardless of PSI value) in TTN have also been reported (See Ceyhan-Birsoy et al. 2013. PMID: 23975875; Chauveau et al. 2014. PMID: 24105469; Evilä et al. 2016. PMID: 27796757; Ge et al. 2019. PubMed ID: 31053406). In summary, the c.6508+1G>A variant is likely pathogenic for recessive and dominant TTN-related disorders. Of note, TTN truncating variants show incomplete and age-dependent penetrance in regards to autosomal dominant dilated cardiomyopathy. ACMG has recommended the reporting of TTN truncating variants in highly expressed exons due to the significant risk of cardiomyopathy (see ACMG statement in Miller et al. 2021. PubMed ID: 34012068).